The following is an entry in ClinVar:

NM_133433.4(NIPBL):c.3122-1G>T

Gene: NIPBL (NIPBL cohesin loading factor; plus strand). Cytogenetic location: 5p13.2.
Variant type: single nucleotide variant.
Coding change: c.3122-1G>T on transcript NM_133433.4 (MANE Select); the canonical splice acceptor site of the intron before coding-DNA position 3122, G replaced by T.
Molecular consequence: splice acceptor variant.
Genome position (GRCh38, 1-based): chr5:36,995,621, G>T. VCF-style: chr5-36995621-G-T. GRCh37 (hg19) VCF-style: chr5-36995723-G-T.
Other names: c.3122-1G>T (NM_015384.5).
Identifiers: ClinVar variation 2504302 (VCV002504302.1), dbSNP rs2478030893, ClinGen allele CA359513249.
Genomic context (GRCh38, chr5:36,995,621, plus strand): 5'-TAAAATTTTCCTTTTATCTTCAGATTTACATTTTTTTTTTAAATTTACCTTTCATTAATA[G>T]GTAGTATAGATCAATCAGTGTTAAAAGAATTACCCCCTGAACTCCTGGCAGAAATTGAGT-3'

ClinVar aggregate classification (germline): Pathogenic (1 of 4 stars; one submission).

Submission:

GeneDx
Classification: Pathogenic. Last evaluated: 2022-11-25. Review status: criteria provided, single submitter. Criteria: GeneDx Variant Classification Process June 2021. Collection method: clinical testing. Allele origin: germline. Affected: yes.
Comment: Reported in an individual with CdLS and described as 11-G>T (Kaur et al., 2016); Canonical splice site variant expected to result in aberrant splicing, although in the absence of functional evidence the actual effect of this sequence change is unknown.; Not observed at significant frequency in large population cohorts (gnomAD); Deletions involving coding exons of this gene are a known mechanism of disease (HGMD); This variant is associated with the following publications: (PMID: 27125329)